The following is an entry in ClinVar:

ClinVar aggregate classification (germline): Uncertain significance. Review status: criteria provided, single submitter (1 of 4 stars). 2 submissions from 2 submitters: Uncertain significance (1). 1 of the submissions does not count toward it. Last evaluated 2023-07-24.

Conditions:
Leber congenital amaurosis (LCA). Also called: Leber's amaurosis. Identifiers: Orphanet 65, MedGen C0339527, MeSH D057130, MONDO:0018998.
Leber congenital amaurosis 1 (LCA1). Also called: Congenital absence of the rods and cones; Leber's congenital tapetoretinal degeneration; Leber's congenital tapetoretinal dysplasia; AMAUROSIS CONGENITA OF LEBER I; RETINAL BLINDNESS, CONGENITAL. Identifiers: Orphanet 65, MedGen C2931258, MONDO:0008764, OMIM 204000.

Allele frequency attached by ClinVar (database versions not stated): gnomAD exomes below 0.00001; ExAC 0.00001.
gnomAD v4.1: 2 of 1,612,540 alleles (0.00012%); highest among the groups gnomAD compares: African/African-American, 0.0013%; no homozygotes.

Submissions (2):

Ophthalmic Genetics Group, Institute of Molecular and Clinical Ophthalmology Basel
Classification: Uncertain significance for Leber congenital amaurosis. Last evaluated: 2023-07-24. Review status: criteria provided, single submitter. Criteria: ACMG Guidelines, 2015. Collection method: research. Allele origin: germline. Affected: yes. Observed: 1 variant allele.
Comment: Clinical significance based on ACMG v2.0

This variant was classified as Uncertain significance based on ACMG criteria: PM2, PP3, PM1, PP5.

Laboratory of Genetics in Ophthalmology, Institut Imagine
Classification: Likely pathogenic for Leber congenital amaurosis 1. Review status: no assertion criteria provided. Collection method: research. Allele origin: inherited. Affected: yes. Observed: 1 variant allele. Not counted in ClinVar's aggregate classification.

Literature cited by the submitters: PubMed 36909829 (cited by Ophthalmic Genetics Group, Institute of Molecular and Clinical Ophthalmology Basel).

NM_000180.4(GUCY2D):c.740A>G (p.His247Arg)

Gene: GUCY2D (guanylate cyclase 2D, retinal; plus strand). Cytogenetic location: 17p13.1.
Variant type: single nucleotide variant.
Coding change: c.740A>G on transcript NM_000180.4 (MANE Select); coding-DNA position 740, A replaced by G.
Protein change: p.His247Arg; replaces histidine 247 with arginine.
Molecular consequence: missense variant.
Genome position (GRCh38, 1-based): chr17:8,003,870, A>G. VCF-style: chr17-8003870-A-G. GRCh37 (hg19) VCF-style: chr17-7907188-A-G.
Other names: NC_000017.10:g.7907188A>G; NP_000171.1:p.(His247Arg); short protein forms H247R.
Identifiers: ClinVar variation 974630 (VCV000974630.3), dbSNP rs768206746, ClinGen allele CA8365563.